The following is an entry in ClinVar:

NM_002529.4(NTRK1):c.1543del (p.Glu515fs)

Gene: NTRK1 (neurotrophic receptor tyrosine kinase 1; plus strand). Cytogenetic location: 1q23.1.
Variant type: Deletion.
Coding change: c.1543del on transcript NM_002529.4 (MANE Select); coding-DNA position 1543, one base deleted (G; older notation c.1543delG).
Protein change: p.Glu515fs; shifts the reading frame from glutamic acid 515.
Molecular consequence: frameshift variant.
Genome position (GRCh38, 1-based): chr1:156,876,121, G deleted; the last of 3 consecutive G bases (chr1:156,876,119-156,876,121); deleting any one gives the same sequence. VCF-style (leftmost placement, unchanged base first): chr1-156876118-TG-T. GRCh37 (hg19) VCF-style: chr1-156845910-TG-T.
Other names: c.1543delG, p.Glu515Serfs (NM_001007204.1); c.1435del, p.Glu479fs (NM_001007792.1); c.1525del, p.Glu509fs (NM_001012331.2); short protein forms E509fs, E479fs, E515fs.
Identifiers: ClinVar variation 2842110 (VCV002842110.3), dbSNP rs2525639882, ClinGen allele CA2739275324.

ClinVar aggregate classification (germline): Pathogenic (1 of 4 stars; one submission).

Conditions:
Hereditary insensitivity to pain with anhidrosis (CIPA). Also called: INSENSITIVITY TO PAIN, CONGENITAL, WITH ANHIDROSIS; NTRK1 Congenital Insensitivity to Pain with Anhidrosis; HSAN Type IV; FAMILIAL DYSAUTONOMIA, TYPE II; hereditary sensory and autonomic neuropathy type 4; NEUROPATHY, CONGENITAL SENSORY, WITH ANHIDROSIS. Identifiers: Orphanet 642, MedGen C0020074, MONDO:0009746, OMIM 256800.

Submission:

Labcorp Genetics (formerly Invitae), Labcorp
Classification: Pathogenic for Hereditary insensitivity to pain with anhidrosis. Last evaluated: 2023-03-02. Review status: criteria provided, single submitter. Criteria: Invitae Variant Classification Sherloc (09022015). Collection method: clinical testing. Allele origin: germline.
Comment: This sequence change creates a premature translational stop signal (p.Glu509Serfs*32) in the NTRK1 gene. It is expected to result in an absent or disrupted protein product. Loss-of-function variants in NTRK1 are known to be pathogenic (PMID: 10982191). This variant is not present in population databases (gnomAD no frequency). This variant has not been reported in the literature in individuals affected with NTRK1-related conditions. For these reasons, this variant has been classified as Pathogenic.

Literature cited by the submitters: PubMed 10982191.